The following is an entry in ClinVar:

ClinVar aggregate classification (germline): Conflicting classifications of pathogenicity. Review status: criteria provided, conflicting classifications (1 of 4 stars). 3 submissions from 3 submitters: Uncertain significance (1); Likely benign (2). Last evaluated 2024-10-23.

Conditions:
NR1H4-related disorder. Also called: NR1H4-related condition.
Cholestasis, progressive familial intrahepatic, 5 (PFIC5). Identifiers: Orphanet 480476, MedGen C4310747, MONDO:0014884, OMIM 617049.

gnomAD v4.1: 232 of 1,613,174 alleles (0.014%); highest among the groups gnomAD compares: Non-Finnish European, 0.0084%; 3 homozygotes.

Submissions (3):

PreventionGenetics, part of Exact Sciences
Classification: Likely benign for NR1H4-related condition. Last evaluated: 2024-10-23. Review status: criteria provided, single submitter. Criteria: ACMG Guidelines, 2015. Collection method: clinical testing. Allele origin: germline.
Comment: This variant is classified as likely benign based on ACMG/AMP sequence variant interpretation guidelines (Richards et al. 2015 PMID: 25741868, with internal and published modifications).

Labcorp Genetics (formerly Invitae), Labcorp
Classification: Likely benign. Last evaluated: 2024-08-06. Review status: criteria provided, single submitter. Criteria: Invitae Variant Classification Sherloc (09022015). Collection method: clinical testing. Allele origin: germline.

Fulgent Genetics
Classification: Uncertain significance for Cholestasis, progressive familial intrahepatic, 5. Last evaluated: 2024-04-12. Review status: criteria provided, single submitter. Criteria: ACMG Guidelines, 2015. Collection method: clinical testing. Allele origin: germline.

NM_001206979.2(NR1H4):c.1211A>G (p.Asp404Gly)

Gene: NR1H4 (nuclear receptor subfamily 1 group H member 4; plus strand). Cytogenetic location: 12q23.1.
Variant type: single nucleotide variant.
Coding change: c.1211A>G on transcript NM_001206979.2 (MANE Select); coding-DNA position 1211, A replaced by G.
Protein change: p.Asp404Gly; replaces aspartic acid 404 with glycine.
Molecular consequence: missense variant. On other transcripts: non-coding transcript variant (1).
Genome position (GRCh38, 1-based): chr12:100,563,269, A>G. VCF-style: chr12-100563269-A-G. GRCh37 (hg19) VCF-style: chr12-100957047-A-G.
Other names: c.1199A>G (NM_005123.3); c.1211A>G, p.Asp404Gly (NM_001206977.2); c.1058A>G, p.Asp353Gly (NM_001206978.2); c.1229A>G, p.Asp410Gly (NM_001206992.2); c.1241A>G, p.Asp414Gly (NM_001206993.2); c.1199A>G, p.Asp400Gly (NM_005123.4); short protein forms D410G, D414G, D353G, D400G, D404G.
Identifiers: ClinVar variation 3574159 (VCV003574159.4).
Genomic context (GRCh38, chr12:100,563,269, plus strand): 5'-CCACTTTTTAATTTTGTCATTTTATTTTAAACTTCAAAACAGATAGACAATACATAAAGG[A>G]TAGAGAGGCAGTAGAGAAGCTTCAGGAGCCACTTCTTGATGTGCTACAAAAGTTGTGTAA-3'
Protein context (NP_001193908.1, residues 394-414): ILSPDRQYIK[Asp404Gly]REAVEKLQEP